The following is an entry in ClinVar:

ClinVar aggregate classification (germline): Benign. Review status: criteria provided, multiple submitters, no conflicts (2 of 4 stars). 2 submissions from 2 submitters: Benign (2). Last evaluated 2014-04-23.

Allele frequency attached by ClinVar (database versions not stated): ESP Exome Variant Server 0.12105; gnomAD 0.13197 and 0.12884; 1000 Genomes Project 30x 0.20125; TOPMed 0.14692.
gnomAD v4.1: 42,785 of 1,145,267 alleles (3.7%); highest among the groups gnomAD compares: African/African-American, 38%; 3,866 homozygotes.

Submissions (2):

GeneDx
Classification: Benign. Last evaluated: 2014-04-23. Review status: criteria provided, single submitter. Criteria: GeneDx Variant Classification (06012015). Collection method: clinical testing. Allele origin: germline. Affected: yes.
Comment: This variant is considered likely benign or benign based on one or more of the following criteria: it is a conservative change, it occurs at a poorly conserved position in the protein, it is predicted to be benign by multiple in silico algorithms, and/or has population frequency not consistent with disease.

Breakthrough Genomics
Classification: Benign. Review status: criteria provided, single submitter. Criteria: ACMG Guidelines, 2015. Collection method: not provided. Allele origin: germline. Inheritance: X-linked inheritance. Affected: yes.

NM_005391.5(PDK3):c.-22T>C

Gene: PDK3 (pyruvate dehydrogenase kinase 3; plus strand). Cytogenetic location: Xp22.11.
Variant type: single nucleotide variant.
Coding change: c.-22T>C on transcript NM_005391.5 (MANE Select); 22 bases upstream of the start codon, T replaced by C.
Molecular consequence: 5 prime UTR variant.
Genome position (GRCh38, 1-based): chrX:24,465,434, T>C. VCF-style: chrX-24465434-T-C. GRCh37 (hg19) VCF-style: chrX-24483551-T-C.
Other names: c.-22T>C (NM_001142386.3).
Identifiers: ClinVar variation 138667 (VCV000138667.2), dbSNP rs72623011, ClinGen allele CA292757.
Genomic context (GRCh38, chrX:24,465,434, plus strand): 5'-TGCCCTATCCGTGCGGCTTGGCTGCGCCAGCCCTTGCGGCCACCCGGGCGTCTAGGCGGG[T>C]CTGTGCGCCGCCCGGGCGAGGATGCGGCTGTTCCGGTGGCTGCTGAAGCAGCCGGTGCCC-3'